The following is an entry in ClinVar:

NM_005120.3(MED12):c.5622C>A (p.Tyr1874Ter)

Gene: MED12 (mediator complex subunit 12; plus strand). Cytogenetic location: Xq13.1.
Variant type: single nucleotide variant.
Coding change: c.5622C>A on transcript NM_005120.3 (MANE Select); coding-DNA position 5622, C replaced by A.
Protein change: p.Tyr1874Ter; replaces tyrosine 1874 with a stop codon.
Molecular consequence: nonsense.
Genome position (GRCh38, 1-based): chrX:71,137,257, C>A. VCF-style: chrX-71137257-C-A. GRCh37 (hg19) VCF-style: chrX-70357107-C-A.
Other names: short protein forms Y1874*.
Identifiers: ClinVar variation 1210250 (VCV001210250.3), dbSNP rs2147829167, ClinGen allele CA413536831.

ClinVar aggregate classification (germline): Pathogenic. Review status: no assertion criteria provided (0 of 4 stars). 2 submissions from 2 submitters: Pathogenic (1). 1 of the submissions does not count toward it. Last evaluated 2021-12-16.

Conditions:
Cholestasis-pigmentary retinopathy-cleft palate syndrome (HDKR). Also called: Hardikar Syndrome (HS). Identifiers: Orphanet 1415, MedGen C0795969, MeSH C535632, MONDO:0012997, OMIM 301068.
FG syndrome 1 (OKS). Also called: OPITZ-KAVEGGIA SYNDROME; KELLER SYNDROME; MENTAL RETARDATION, LARGE HEAD, IMPERFORATE ANUS, CONGENITAL HYPOTONIA, AND PARTIAL AGENESIS OF CORPUS CALLOSUM; FG Syndrome Type 1 (FGS1). Identifiers: Orphanet 93932, MedGen C5399762, MONDO:0010590, OMIM 305450.

Submissions (2):

OMIM
Classification: Pathogenic for HARDIKAR SYNDROME. Last evaluated: 2021-12-16. Review status: no assertion criteria provided. Collection method: literature only. Allele origin: germline.

GeneReviews
No classification provided. Condition: FG syndrome. Review status: no classification provided. Collection method: literature only. Allele origin: germline. Not counted in ClinVar's aggregate classification.

Literature cited by the submitters: PubMed 33244166 (cited by OMIM and GeneReviews); PubMed 20301719 (cited by GeneReviews).